The following is an entry in ClinVar:

ClinVar aggregate classification (germline): Uncertain significance (1 of 4 stars; one submission).

Submission:

Labcorp Genetics (formerly Invitae), Labcorp
Classification: Uncertain significance. Last evaluated: 2022-03-10. Review status: criteria provided, single submitter. Criteria: Invitae Variant Classification Sherloc (09022015). Collection method: clinical testing. Allele origin: germline.
Comment: This sequence change affects codon 260 of the CERKL mRNA. It is a 'silent' change, meaning that it does not change the encoded amino acid sequence of the CERKL protein. This variant is not present in population databases (gnomAD no frequency). This variant has not been reported in the literature in individuals affected with CERKL-related conditions. Algorithms developed to predict the effect of sequence changes on RNA splicing suggest that this variant may disrupt the consensus splice site. In summary, the available evidence is currently insufficient to determine the role of this variant in disease. Therefore, it has been classified as a Variant of Uncertain Significance.

NM_201548.5(CERKL):c.702A>G (p.Gly234=)

Gene: CERKL (CERK like autophagy regulator; minus strand). Cytogenetic location: 2q31.3.
Variant type: single nucleotide variant.
Coding change: c.702A>G on transcript NM_201548.5 (MANE Select); coding-DNA position 702, A replaced by G.
Protein change: p.Gly234=; no amino-acid change (glycine 234 retained).
Molecular consequence: synonymous variant. On other transcripts: missense variant (2), non-coding transcript variant (2), intron variant (2).
Genome position (GRCh38, 1-based): chr2:181,558,684, T>C on the plus strand (A>G on the coding strand, the complement: CERKL is on the minus strand). VCF-style: chr2-181558684-T-C. GRCh37 (hg19) VCF-style: chr2-182423411-T-C.
Other names: c.780A>G, p.Gly260= (NM_001030311.3); c.506A>G, p.Asp169Gly (NM_001030314.1); c.638A>G, p.Asp213Gly (NM_001030315.1); c.648A>G, p.Gly216= (NM_001160277.2); c.482-8976A>G (NM_001030312.3); c.614-8976A>G (NM_001030313.3); short protein forms D213G, D169G.
Identifiers: ClinVar variation 2108188 (VCV002108188.1), dbSNP rs2468318111, ClinGen allele CA430407804.
Genomic context (GRCh38, chr2:181,558,684, plus strand): 5'-TTCCATCCCAGCATTCTTCTGAGCTCTCAGAAGCAAAGCATGGGCTACTTCGCTAGCAGA[T>C]CCATCTCCACCAACACAGACAACACTAGAAAAATACAAATCAAGCAAAGAAGGCAAAACT-3'
Protein context (NP_963842.1, residues 224-244): FDGVVCVGGD[Gly234=]SASEVAHALL